The following is an entry in ClinVar:

NM_000553.6(WRN):c.3234-2A>C

Gene: WRN (WRN RecQ like helicase; plus strand). Cytogenetic location: 8p12.
Variant type: single nucleotide variant.
Coding change: c.3234-2A>C on transcript NM_000553.6 (MANE Select); the canonical splice acceptor site of the intron before coding-DNA position 3234, A replaced by C.
Molecular consequence: splice acceptor variant.
Genome position (GRCh38, 1-based): chr8:31,142,624, A>C. VCF-style: chr8-31142624-A-C. GRCh37 (hg19) VCF-style: chr8-31000140-A-C.
Identifiers: ClinVar variation 1507344 (VCV001507344.6), dbSNP rs1554533006, ClinGen allele CA370923266.

ClinVar aggregate classification (germline): Likely pathogenic (1 of 4 stars; one submission).

Conditions:
Werner syndrome (WRN). Identifiers: Orphanet 902, MedGen C0043119, MONDO:0010196, OMIM 277700.

Allele frequency attached by ClinVar (database versions not stated): gnomAD exomes below 0.00001.
gnomAD v4.1: 4 of 1,589,090 alleles (0.00025%); highest among the groups gnomAD compares: Non-Finnish European, 0.00034%; no homozygotes.

Submission:

Labcorp Genetics (formerly Invitae), Labcorp
Classification: Likely pathogenic for Werner syndrome. Last evaluated: 2021-07-24. Review status: criteria provided, single submitter. Criteria: Invitae Variant Classification Sherloc (09022015). Collection method: clinical testing. Allele origin: germline.
Comment: In summary, the currently available evidence indicates that the variant is pathogenic, but additional data are needed to prove that conclusively. Therefore, this variant has been classified as Likely Pathogenic. Algorithms developed to predict the effect of sequence changes on RNA splicing suggest that this variant may disrupt the consensus splice site. This variant has not been reported in the literature in individuals affected with WRN-related conditions. This variant is not present in population databases (ExAC no frequency). This sequence change affects an acceptor splice site in intron 26 of the WRN gene. It is expected to disrupt RNA splicing. Variants that disrupt the donor or acceptor splice site typically lead to a loss of protein function (PMID: 16199547), and loss-of-function variants in WRN are known to be pathogenic (PMID: 16673358).

Literature cited by the submitters: PubMed 16199547; PubMed 16673358.